The following is an entry in ClinVar:

NM_000057.4(BLM):c.3743A>T (p.Lys1248Met)

Gene: BLM (BLM RecQ like helicase; plus strand). Cytogenetic location: 15q26.1.
Variant type: single nucleotide variant.
Coding change: c.3743A>T on transcript NM_000057.4 (MANE Select); coding-DNA position 3743, A replaced by T.
Protein change: p.Lys1248Met; replaces lysine 1248 with methionine.
Molecular consequence: missense variant. On other transcripts: intron variant (1).
Genome position (GRCh38, 1-based): chr15:90,804,351, A>T. VCF-style: chr15-90804351-A-T. GRCh37 (hg19) VCF-style: chr15-91347581-A-T.
Other names: c.3743A>T (NM_000057.2); c.3743A>T, p.Lys1248Met (NM_001287246.2); c.2618A>T, p.Lys873Met (NM_001287248.2); c.3359-4786A>T (NM_001287247.2); short protein forms K1248M, K873M.
Identifiers: ClinVar variation 454142 (VCV000454142.15), dbSNP rs1555424404, ClinGen allele CA393848297.

ClinVar aggregate classification (germline): Uncertain significance. Review status: criteria provided, multiple submitters, no conflicts (2 of 4 stars). 3 submissions from 3 submitters: Uncertain significance (2). 1 of the submissions does not count toward it. Last evaluated 2026-01-24.

Conditions:
Hereditary cancer-predisposing syndrome. Also called: Hereditary Cancer Syndrome; Hereditary neoplastic syndrome; Neoplastic Syndromes, Hereditary; Tumor predisposition. Identifiers: Orphanet 140162, MedGen C0027672, MeSH D009386, MONDO:0015356.
Bloom syndrome (BLM). Also called: Bloom-Torre-Machacek syndrome. Identifiers: Orphanet 125, MedGen C0005859, MONDO:0008876, OMIM 210900.

Allele frequency attached by ClinVar (database versions not stated): gnomAD exomes below 0.00001.
gnomAD v4.1: 1 of 1,613,870 alleles (0.000062%); highest among the groups gnomAD compares: Non-Finnish European, 0.000085%; no homozygotes.

Submissions (3):

Labcorp Genetics (formerly Invitae), Labcorp
Classification: Uncertain significance for Bloom syndrome. Last evaluated: 2026-01-24. Review status: criteria provided, single submitter. Criteria: Invitae Variant Classification Sherloc (09022015). Collection method: clinical testing. Allele origin: germline.
Comment: This sequence change replaces lysine, which is basic and polar, with methionine, which is neutral and non-polar, at codon 1248 of the BLM protein (p.Lys1248Met). This variant is not present in population databases (gnomAD no frequency). This variant has not been reported in the literature in individuals affected with BLM-related conditions. ClinVar contains an entry for this variant (Variation ID: 454142). Invitae Evidence Modeling of protein sequence and biophysical properties (such as structural, functional, and spatial information, amino acid conservation, physicochemical variation, residue mobility, and thermodynamic stability) indicates that this missense variant is not expected to disrupt BLM protein function with a negative predictive value of 80%. In summary, the available evidence is currently insufficient to determine the role of this variant in disease. Therefore, it has been classified as a Variant of Uncertain Significance.

Ambry Genetics
Classification: Uncertain significance for Hereditary cancer-predisposing syndrome. Last evaluated: 2025-08-08. Review status: criteria provided, single submitter. Criteria: Ambry Variant Classification Scheme 2023. Collection method: clinical testing. Allele origin: germline.

Natera, Inc.
Classification: Uncertain significance for Bloom syndrome. Last evaluated: 2021-09-20. Review status: no assertion criteria provided. Collection method: clinical testing. Allele origin: germline. Not counted in ClinVar's aggregate classification.